The following is an entry in ClinVar:

NM_000465.4(BARD1):c.1543T>C (p.Ser515Pro)

Gene: BARD1 (BRCA1 associated RING domain 1; minus strand). Cytogenetic location: 2q35.
Variant type: single nucleotide variant.
Coding change: c.1543T>C on transcript NM_000465.4 (MANE Select); coding-DNA position 1543, T replaced by C.
Protein change: p.Ser515Pro; replaces serine 515 with proline.
Molecular consequence: missense variant. On other transcripts: non-coding transcript variant (3), intron variant (3).
Genome position (GRCh38, 1-based): chr2:214,767,507, A>G on the plus strand (T>C on the coding strand, the complement: BARD1 is on the minus strand). VCF-style: chr2-214767507-A-G. GRCh37 (hg19) VCF-style: chr2-215632231-A-G.
Other names: c.1486T>C, p.Ser496Pro (NM_001282543.2); c.159-14952T>C (NM_001282548.2); c.216-14952T>C (NM_001282545.2); c.364+24790T>C (NM_001282549.2); short protein forms S515P, S496P.
Identifiers: ClinVar variation 231416 (VCV000231416.16), dbSNP rs876659146, ClinGen allele CA10577800.

ClinVar aggregate classification (germline): Uncertain significance. Review status: criteria provided, multiple submitters, no conflicts (2 of 4 stars). 3 submissions from 3 submitters: Uncertain significance (3). Last evaluated 2025-09-03.

Conditions:
Hereditary cancer-predisposing syndrome. Also called: Neoplastic Syndromes, Hereditary; Tumor predisposition; Hereditary Cancer Syndrome; Hereditary neoplastic syndrome. Identifiers: Orphanet 140162, MedGen C0027672, MeSH D009386, MONDO:0015356.
Familial cancer of breast. Also called: BREAST CANCER, FAMILIAL; hereditary breast carcinoma; Hereditary breast cancer. Identifiers: Orphanet 227535, MedGen C0346153, MONDO:0016419, OMIM 114480. Disease mechanism: loss of function.

Allele frequency attached by ClinVar (database versions not stated): gnomAD exomes below 0.00001; TOPMed below 0.00001; gnomAD 0.00001.
gnomAD v4.1: 3 of 1,613,778 alleles (0.00019%); highest among the groups gnomAD compares: African/African-American, 0.0027%; no homozygotes.

Submissions (3):

Ambry Genetics
Classification: Uncertain significance for Hereditary cancer-predisposing syndrome. Last evaluated: 2025-09-03. Review status: criteria provided, single submitter. Criteria: Ambry Variant Classification Scheme 2023. Collection method: clinical testing. Allele origin: germline.
Comment: The p.S515P variant (also known as c.1543T>C), located in coding exon 6 of the BARD1 gene, results from a T to C substitution at nucleotide position 1543. The serine at codon 515 is replaced by proline, an amino acid with similar properties. This amino acid position is not well conserved in available vertebrate species. In addition, the in silico prediction for this alteration is inconclusive. Based on the available evidence, the clinical significance of this variant remains unclear.

Labcorp Genetics (formerly Invitae), Labcorp
Classification: Uncertain significance for Familial cancer of breast. Last evaluated: 2024-05-15. Review status: criteria provided, single submitter. Criteria: Invitae Variant Classification Sherloc (09022015). Collection method: clinical testing. Allele origin: germline.
Comment: This sequence change replaces serine, which is neutral and polar, with proline, which is neutral and non-polar, at codon 515 of the BARD1 protein (p.Ser515Pro). This variant is present in population databases (no rsID available, gnomAD 0.01%). This variant has not been reported in the literature in individuals affected with BARD1-related conditions. ClinVar contains an entry for this variant (Variation ID: 231416). An algorithm developed to predict the effect of missense changes on protein structure and function (PolyPhen-2) suggests that this variant is likely to be disruptive. In summary, the available evidence is currently insufficient to determine the role of this variant in disease. Therefore, it has been classified as a Variant of Uncertain Significance.

Mendelics
Classification: Uncertain significance. Last evaluated: 2022-05-04. Review status: criteria provided, single submitter. Criteria: Mendelics Assertion Criteria 2019. Collection method: clinical testing. Allele origin: germline.